The following is an entry in ClinVar:

ClinVar aggregate classification (germline): Uncertain significance (1 of 4 stars; one submission).

Conditions:
Severe combined immunodeficiency due to DNA-PKcs deficiency. Also called: IMMUNODEFICIENCY 26 WITH NEUROLOGIC ABNORMALITIES; Immunodeficiency 26 with or without neurologic abnormalities. Identifiers: Orphanet 317425, MedGen C4014833, MONDO:0014423, OMIM 615966.

Allele frequency attached by ClinVar (database versions not stated): TOPMed 0.00001.
gnomAD v4.1: 4 of 1,613,126 alleles (0.00025%); highest among the groups gnomAD compares: Non-Finnish European, 0.00034%; no homozygotes.

Submission:

Labcorp Genetics (formerly Invitae), Labcorp
Classification: Uncertain significance for Severe combined immunodeficiency due to DNA-PKcs deficiency. Last evaluated: 2018-09-06. Review status: criteria provided, single submitter. Criteria: Invitae Variant Classification Sherloc (09022015). Collection method: clinical testing. Allele origin: germline.
Comment: This variant has not been reported in the literature in individuals with PRKDC-related disease. This variant is not present in population databases (ExAC no frequency). This sequence change replaces aspartic acid with asparagine at codon 1588 of the PRKDC protein (p.Asp1588Asn). The aspartic acid residue is weakly conserved and there is a small physicochemical difference between aspartic acid and asparagine. Algorithms developed to predict the effect of missense changes on protein structure and function output the following: SIFT: "Tolerated"; PolyPhen-2: "Not Available"; Align-GVGD: "Class C0". The asparagine amino acid residue is found in multiple mammalian species, suggesting that this missense change does not adversely affect protein function. These predictions have not been confirmed by published functional studies and their clinical significance is uncertain. In summary, the available evidence is currently insufficient to determine the role of this variant in disease. Therefore, it has been classified as a Variant of Uncertain Significance.

NM_006904.7(PRKDC):c.4762G>A (p.Asp1588Asn)

Gene: PRKDC (protein kinase, DNA-activated, catalytic subunit; minus strand). Cytogenetic location: 8q11.21.
Variant type: single nucleotide variant.
Coding change: c.4762G>A on transcript NM_006904.7 (MANE Select); coding-DNA position 4762, G replaced by A.
Protein change: p.Asp1588Asn; replaces aspartic acid 1588 with asparagine.
Molecular consequence: missense variant.
Genome position (GRCh38, 1-based): chr8:47,885,958, C>T on the plus strand (G>A on the coding strand, the complement: PRKDC is on the minus strand). VCF-style: chr8-47885958-C-T. GRCh37 (hg19) VCF-style: chr8-48798519-C-T.
Other names: c.4762G>A, p.Asp1588Asn (NM_001081640.2); short protein forms D1588N.
Identifiers: ClinVar variation 645171 (VCV000645171.5), dbSNP rs371148497, ClinGen allele CA371142666.
Genomic context (GRCh38, chr8:47,885,958, plus strand): 5'-ACAAACAAACAAAAAAAACAGTTTATTTAAAGGGAAACTTTGTTACCATTTTGGTATTAT[C>T]CACTGAAGACTGCATGAGCTCCAATACAGCAAGATCCAGATTTTTCAATAATTCCGTGTT-3'
Protein context (NP_008835.5, residues 1578-1598): AVLELMQSSV[Asp1588Asn]NTKMVSAVLN